The following is an entry in ClinVar:

ClinVar aggregate classification (germline): Pathogenic. Review status: criteria provided, multiple submitters, no conflicts (2 of 4 stars). 6 submissions from 6 submitters: Pathogenic (4). 2 of the submissions do not count toward it. Last evaluated 2025-03-10.

Conditions:
NEB-related disorder. Also called: NEB-Related Disorders; NEB-related condition.
Nemaline myopathy 2 (NEM2). Also called: Nemaline myopathy 2, autosomal recessive. Identifiers: MedGen C1850569, MONDO:0009725, OMIM 256030.

Allele frequency attached by ClinVar (database versions not stated): gnomAD exomes 0.00001; TOPMed 0.00001.

Submissions (6):

Natera, Inc.
Classification: Pathogenic for Nemaline myopathy type 2. Last evaluated: 2025-03-10. Review status: criteria provided, single submitter. Criteria: Natera Variant Classification Schema (03/2026). Collection method: clinical testing. Allele origin: germline.
Comment: The c.20845dupA variant in NEB is a frameshift variant predicted to shift the reading frame beginning at codon 6949 and leads to a stop codon 16 codons downstream. This variant is expected to result in nonsense mediated decay, truncation, or a dysfunctional protein product. This variant is rare in the general population with a frequency below the threshold expected for the associated phenotype(s). This variant has been observed in one or more individuals affected with the associated recessive disease, as either homozygous or compound heterozygous with a second variant (PMID: 25205138). Given the available evidence, this variant is classified as Pathogenic.

Labcorp Genetics (formerly Invitae), Labcorp
Classification: Pathogenic for Nemaline myopathy 2. Last evaluated: 2023-12-13. Review status: criteria provided, single submitter. Criteria: Invitae Variant Classification Sherloc (09022015). Collection method: clinical testing. Allele origin: germline.
Comment: This sequence change creates a premature translational stop signal (p.Thr6949Asnfs*16) in the NEB gene. It is expected to result in an absent or disrupted protein product. Loss-of-function variants in NEB are known to be pathogenic (PMID: 25205138). This variant is not present in population databases (gnomAD no frequency). This premature translational stop signal has been observed in individuals with nemaline myopathy (PMID: 25205138). ClinVar contains an entry for this variant (Variation ID: 551753). For these reasons, this variant has been classified as Pathogenic.

3billion
Classification: Pathogenic for Nemaline myopathy 2. Last evaluated: 2022-01-03. Review status: criteria provided, single submitter. Criteria: ACMG Guidelines, 2015. Collection method: clinical testing. Allele origin: germline. Affected: yes. Observed: 1 heterozygote.
Comment: Frameshift: predicted to result in a loss or disruption of normal protein function through nonsense-mediated decay (NMD) or protein truncation. Multiple pathogenic variants are reported downstream of the variant (PVS1_VS). The variant has been reported at least twice as pathogenic/likely pathogenic with clinical assertions and evidence for the classification (ClinVar ID: VCV000551753, PMID:25205138). It is not observed in the gnomAD v2.1.1 dataset (PM2_M). The variant has been reported to be in trans with a pathogenic variant (NM_001164508.2:c.24579G>A) as compound heterozygous at least one similarly affected unrelated individual (3billion dataset, PM3_M). Therefore, this variant is classified as pathogenic according to the recommendation of ACMG/AMP guideline.

Blueprint Genetics
Classification: Pathogenic for NEB-related disorders. Last evaluated: 2019-12-20. Review status: criteria provided, single submitter. Criteria: ACMG Guidelines, 2015. Collection method: clinical testing. Allele origin: germline. Affected: yes. Observed: 1 variant allele.

Clinical Genetics Laboratory, University Hospital Schleswig-Holstein
Classification: Pathogenic for Nemaline myopathy 2. Last evaluated: 2024-04-18. Review status: no assertion criteria provided. Collection method: clinical testing. Allele origin: maternal. Affected: yes. Not counted in ClinVar's aggregate classification.

Counsyl
Classification: Pathogenic for Nemaline myopathy 2. Last evaluated: 2017-05-19. Review status: no assertion criteria provided. Collection method: clinical testing. Allele origin: unknown. Not counted in ClinVar's aggregate classification.

Literature cited by the submitters: PubMed 25205138 (cited by 4 submitters).

NM_001164508.2(NEB):c.20845dup (p.Thr6949fs)

Gene: NEB (nebulin; minus strand). Cytogenetic location: 2q23.3.
Variant type: Duplication.
Coding change: c.20845dup on transcript NM_001164508.2 (MANE Select); coding-DNA position 20845, one base duplicated (A; older notation c.20845dupA).
Protein change: p.Thr6949fs; shifts the reading frame from threonine 6949.
Molecular consequence: frameshift variant.
Genome position (GRCh38, 1-based): chr2:151,540,391, T duplicated on the plus strand (A on the coding strand, the reverse complement: NEB is on the minus strand). VCF-style (leftmost placement, unchanged base first): chr2-151540390-G-GT. GRCh37 (hg19) VCF-style: chr2-152396904-G-GT.
Other names: c.20845dup, p.Thr6949fs (NM_001164507.2, NM_001271208.2); c.15742dup, p.Thr5248fs (NM_004543.5); c.20845dupA (NM_001271208.1); short protein forms T6949fs, T5248fs.
Identifiers: ClinVar variation 551753 (VCV000551753.14), dbSNP rs1553695209, ClinGen allele CA658822969.